The following is an entry in ClinVar:

NM_002691.4(POLD1):c.1433G>A (p.Ser478Asn)

Gene: POLD1 (DNA polymerase delta 1, catalytic subunit; plus strand). Cytogenetic location: 19q13.33.
Variant type: single nucleotide variant.
Coding change: c.1433G>A on transcript NM_002691.4 (MANE Select); coding-DNA position 1433, G replaced by A.
Protein change: p.Ser478Asn; replaces serine 478 with asparagine.
Molecular consequence: missense variant. On other transcripts: non-coding transcript variant (1).
Genome position (GRCh38, 1-based): chr19:50,406,456, G>A. VCF-style: chr19-50406456-G-A. GRCh37 (hg19) VCF-style: chr19-50909713-G-A.
Other names: c.1433G>A, p.Ser478Asn (NM_001256849.1, NM_001308632.1); c.1433G>A (NM_002691.2); short protein forms S478N.
Identifiers: ClinVar variation 40044 (VCV000040044.18), dbSNP rs397514632, ClinGen allele CA130715.

ClinVar aggregate classification (germline): Pathogenic/Likely pathogenic. Review status: criteria provided, multiple submitters, no conflicts (2 of 4 stars). 8 submissions from 8 submitters: Pathogenic (3); Likely pathogenic (2). 3 of the submissions do not count toward it. Last evaluated 2025-07-15.

Conditions:
Hereditary cancer-predisposing syndrome. Also called: Tumor predisposition; Neoplastic Syndromes, Hereditary; Hereditary Cancer Syndrome; Hereditary neoplastic syndrome. Identifiers: Orphanet 140162, MedGen C0027672, MeSH D009386, MONDO:0015356.
POLD1-related polyposis and colorectal cancer syndrome (CRCS10). Also called: Colorectal cancer 10; Colorectal cancer, susceptibility to, 10; COLORECTAL CANCER, SUSCEPTIBILITY TO, ON CHROMOSOME 19q. Identifiers: Orphanet 220460, MedGen C2675481, MONDO:0012953, OMIM 612591.

Submissions (8):

Molecular Diagnostics Laboratory, Catalan Institute of Oncology
Classification: Pathogenic for Hereditary cancer-predisposing syndrome. Last evaluated: 2025-07-15. Review status: criteria provided, single submitter. Criteria: Submitter's publication. Collection method: clinical testing. Allele origin: germline.
Comment: PM1_Supporting, PM2_Supporting, PS3_Supporting, PP1_Strong, PP4_Strong c.1433G>A is located in exon 12 of the POLD1 gene, is predicted to result in the substitution of serine by asparagine at codon 478, p.(Ser478Asn).This variant is located at the exo IV motif (PM1_Supporting). It is not present in the population database gnomAD v2.1.1, non cancer dataset (PM2_Supporting). The SpliceAI algorithm predicts no significant impact on splicing and the REVEL meta-predictor score for this variant (0.377) is indeterminate regarding the effect that it may have on protein function. A functional assay in yeast reported that this variant showed deficient polymerase proofreading (PMID: 23263490) (PS3_Supporting). It cosegregates with the disease in multiple informative meioses in several families (PMID: 23263490, 25559809, 26344056, 32548621, 31555933) (PP1_Strong). This variant has been described in adenoma/tumors showing a hypermutated phenotype and POLD1-associated SBS mutational signatures (PMID: 37848928) (PP4_Strong). In addition, this variant has been reported in the ClinVar database (3x pathogenic, 3x likely pathogenic) and in LOVD (2x uncertain significance). Based on currently available information, the variant c.1433G>A is classified as a pathogenic variant according to POLE/POLD1 Guidelines (PMID 37848928).

Ambry Genetics
Classification: Likely pathogenic for Hereditary cancer-predisposing syndrome. Last evaluated: 2024-08-06. Review status: criteria provided, single submitter. Criteria: Ambry Variant Classification Scheme 2023. Collection method: clinical testing. Allele origin: germline.
Comment: The p.S478N variant (also known as c.1433G>A), located in coding exon 11 of the POLD1 gene, results from a G to A substitution at nucleotide position 1433. The serine at codon 478 is replaced by asparagine, an amino acid with highly similar properties. This variant was reported in multiple individuals with features consistent with POLD1-related polymerase proofreading-associated polyposis. In addition, this variant was reported to segregate with disease in multiple families (Palles C et al. Nat Genet, 2013 Feb;45:136-44; Chubb D et al. J Clin Oncol, 2015 Feb;33:426-32; Arora S et al. Gastroenterology, 2015 Dec;149:1872-1883.e9; Jansen AML et al. Fam Cancer, 2020 Jan;19:1-10; Ito T et al. Jpn J Clin Oncol, 2020 Sep;50:1080-1083). In multiple assays testing POLD1 function, this variant showed functionally abnormal results (Palles C et al. Nat Genet, 2013 Feb;45:136-44; Oh DY et al. Hum Mutat, 2020 May;41:913-920). This amino acid position is highly conserved in available vertebrate species. In addition, this alteration is predicted to be tolerated by in silico analysis. This variant is considered to be rare based on population cohorts in the Genome Aggregation Database (gnomAD). Based on the majority of available evidence to date, this variant is likely to be pathogenic.

Labcorp Genetics (formerly Invitae), Labcorp
Classification: Pathogenic for POLD1-related polyposis and colorectal cancer syndrome. Last evaluated: 2024-02-13. Review status: criteria provided, single submitter. Criteria: Invitae Variant Classification Sherloc (09022015). Collection method: clinical testing. Allele origin: germline.
Comment: This sequence change replaces serine, which is neutral and polar, with asparagine, which is neutral and polar, at codon 478 of the POLD1 protein (p.Ser478Asn). This variant is not present in population databases (gnomAD no frequency). This missense change has been observed in individual(s) with colorectal cancer, endometrial cancer and astrocytoma (PMID: 23263490, 25559809, 26344056). It has also been observed to segregate with disease in related individuals. ClinVar contains an entry for this variant (Variation ID: 40044). Advanced modeling of protein sequence and biophysical properties (such as structural, functional, and spatial information, amino acid conservation, physicochemical variation, residue mobility, and thermodynamic stability) performed at Invitae indicates that this missense variant is expected to disrupt POLD1 protein function with a positive predictive value of 80%. Experimental studies have shown that this missense change affects POLD1 function (PMID: 23263490). For these reasons, this variant has been classified as Pathogenic.

Baylor Genetics
Classification: Pathogenic for POLD1-related polyposis and colorectal cancer syndrome. Last evaluated: 2023-07-18. Review status: criteria provided, single submitter. Criteria: ACMG Guidelines, 2015. Collection method: clinical testing. Allele origin: unknown.

Myriad Genetics, Inc.
Classification: Likely pathogenic for POLD1-related polyposis and colorectal cancer syndrome. Last evaluated: 2023-04-19. Review status: criteria provided, single submitter. Criteria: Myriad Autosomal Dominant, Autosomal Recessive and X-Linked Classification Criteria (2023). Collection method: clinical testing. Allele origin: unknown.
Comment: This variant is considered likely pathogenic. This variant has been reported in multiple individuals with clinical features of gene-specific disease [PMID: 23263490]. This variant is expected to disrupt protein structure [Myriad internal data].

Counsyl
Classification: Likely pathogenic for POLD1-related polyposis and colorectal cancer syndrome. Last evaluated: 2016-06-10. Review status: no assertion criteria provided. Collection method: clinical testing. Allele origin: unknown. Not counted in ClinVar's aggregate classification.

OMIM
Classification: risk factor for COLORECTAL CANCER, SUSCEPTIBILITY TO, 10. Last evaluated: 2015-08-01. Review status: no assertion criteria provided. Collection method: literature only. Allele origin: unknown. Not counted in ClinVar's aggregate classification.

Department of Pathology and Laboratory Medicine, Sinai Health System
Classification: Pathogenic. Review status: no assertion criteria provided. Collection method: clinical testing. Allele origin: unknown. Affected: yes. Study: The Canadian Open Genetics Repository (COGR). Not counted in ClinVar's aggregate classification.
Comment: The POLD1 p.Ser478Asn variant was identified in 2 of 1302 proband chromosomes (frequency: 0.002) from individuals or families with colorectal cancer (Arora 2015, Chubb 2015). The variant was also identified in dbSNP (ID: rs397514632) as â€šÃ„ÃºWith other alleleâ€šÃ„Ã¹, ClinVar (classified as pathogenic by Invitae, likely pathogenic by Counsyl, and as a risk factor by OMIM). The variant was not identified in the following control databases: the 1000 Genomes Project, the NHLBI GO Exome Sequencing Project, the Exome Aggregation Consortium (August 8th 2016), or the Genome Aggregation Database (Feb 27, 2017). The p.Ser478 residue is conserved in mammals and computational analyses (PolyPhen-2, SIFT, AlignGVGD, BLOSUM, MutationTaster) provide inconsistent predictions regarding the impact to the protein; this information is not very predictive of pathogenicity. However, this variant is located in the exonuclease domain of the enzyme and is suggested to affect the secondary structure of this active site (Briggs 2013, Palles 2013). The variant has also been reported to segregate with disease in several affected individuals in at least two unrelated families (Briggs 2013, Palles 2013). A functional study in yeast demonstrated that this variant resulted in a 12-fold increase in mutation rate as compared to wild type (Palles 2013). The variant occurs outside of the splicing consensus sequence and in silico or computational prediction software programs (SpliceSiteFinder, MaxEntScan, NNSPLICE, GeneSplicer) do not predict a difference in splicing. In summary, based on the above information, this variant meets our laboratoryâ€šÃ„Ã´s criteria to be classified as pathogenic.

Literature cited by the submitters: PubMed 23263490 (cited by 5 submitters); PubMed 25559809 (cited by 3 submitters); PubMed 26344056 (cited by 3 submitters); PubMed 31555933 (cited by Ambry Genetics); PubMed 31944473 (cited by Ambry Genetics); PubMed 32548621 (cited by Ambry Genetics); PubMed 26206375 (cited by Counsyl); PubMed 23447401 (cited by Counsyl); PubMed 25370038 (cited by OMIM).